The following is an entry in ClinVar:

NM_024577.4(SH3TC2):c.1922G>A (p.Arg641His)

Gene: SH3TC2 (SH3 domain and tetratricopeptide repeats 2; minus strand). Cytogenetic location: 5q32.
Variant type: single nucleotide variant.
Coding change: c.1922G>A on transcript NM_024577.4 (MANE Select); coding-DNA position 1922, G replaced by A.
Protein change: p.Arg641His; replaces arginine 641 with histidine.
Molecular consequence: missense variant.
Genome position (GRCh38, 1-based): chr5:149,027,810, C>T on the plus strand (G>A on the coding strand, the complement: SH3TC2 is on the minus strand). VCF-style: chr5-149027810-C-T. GRCh37 (hg19) VCF-style: chr5-148407373-C-T.
Other names: short protein forms R641H.
Identifiers: ClinVar variation 572641 (VCV000572641.6), dbSNP rs199991156, ClinGen allele CA3499092.

ClinVar aggregate classification (germline): Uncertain significance (1 of 4 stars; one submission).

Conditions:
Charcot-Marie-Tooth disease type 4. Also called: Charcot-Marie-Tooth disease, type IV; Charcot-Marie-Tooth, Type 4. Identifiers: Orphanet 64749, MedGen C4082197, MONDO:0018995.

Allele frequency attached by ClinVar (database versions not stated): ExAC 0.00002; gnomAD 0.00003 and 0.00004; TOPMed 0.00003; gnomAD exomes 0.00005; 1000 Genomes Project 0.00020; 1000 Genomes Project 30x 0.00031.
gnomAD v4.1: 72 of 1,613,912 alleles (0.0045%); highest among the groups gnomAD compares: South Asian, 0.013%; no homozygotes.

Submission:

Labcorp Genetics (formerly Invitae), Labcorp
Classification: Uncertain significance for Charcot-Marie-Tooth disease type 4. Last evaluated: 2022-01-18. Review status: criteria provided, single submitter. Criteria: Invitae Variant Classification Sherloc (09022015). Collection method: clinical testing. Allele origin: germline.
Comment: This sequence change replaces arginine, which is basic and polar, with histidine, which is basic and polar, at codon 641 of the SH3TC2 protein (p.Arg641His). This variant is present in population databases (rs199991156, gnomAD 0.02%). This variant has not been reported in the literature in individuals affected with SH3TC2-related conditions. ClinVar contains an entry for this variant (Variation ID: 572641). Algorithms developed to predict the effect of missense changes on protein structure and function are either unavailable or do not agree on the potential impact of this missense change (SIFT: "Tolerated"; PolyPhen-2: "Possibly Damaging"; Align-GVGD: "Class C0"). In summary, the available evidence is currently insufficient to determine the role of this variant in disease. Therefore, it has been classified as a Variant of Uncertain Significance.